The following is an entry in ClinVar:

NM_080680.3(COL11A2):c.2485-3C>A

Gene: COL11A2 (collagen type XI alpha 2 chain; minus strand). Cytogenetic location: 6p21.32.
Variant type: single nucleotide variant.
Coding change: c.2485-3C>A on transcript NM_080680.3 (MANE Select); 3 bases into the intron before coding-DNA position 2485, C replaced by A.
Molecular consequence: intron variant.
Genome position (GRCh38, 1-based): chr6:33,174,058, G>T on the plus strand (C>A on the coding strand, the complement: COL11A2 is on the minus strand). VCF-style: chr6-33174058-G-T. GRCh37 (hg19) VCF-style: chr6-33141835-G-T.
Other names: c.1459-3C>A (NM_001424111.1, NM_001424110.1); c.2164-3C>A (NM_080679.3); c.2227-3C>A (NM_080681.3); c.2305-3C>A (NM_001424108.1); c.1639-3C>A (NM_001424109.1); c.439-3C>A (NM_001424112.1).
Identifiers: ClinVar variation 2727839 (VCV002727839.4), dbSNP rs755022711, ClinGen allele CA3750874.
Genomic context (GRCh38, chr6:33,174,058, plus strand): 5'-CCCCTGCACTCACCGTGGGGCCCCGTTCTCCCCGAGGCCCTGACTTCCCCGACAGGCCCT[G>T]GTGGGAATGAAGCAGAGAGAACATTACCCAGGGTGAGACTCCCCACAGACCCCCTCTACA-3'

ClinVar aggregate classification (germline): Uncertain significance. Review status: criteria provided, multiple submitters, no conflicts (2 of 4 stars). 2 submissions from 2 submitters: Uncertain significance (2). Last evaluated 2025-06-15.

Allele frequency attached by ClinVar (database versions not stated): ExAC 0.00001; TOPMed 0.00001; gnomAD 0.00002.
gnomAD v4.1: 17 of 1,613,686 alleles (0.0011%); highest among the groups gnomAD compares: Non-Finnish European, 0.0014%; no homozygotes.

Submissions (2):

Labcorp Genetics (formerly Invitae), Labcorp
Classification: Uncertain significance. Last evaluated: 2025-06-15. Review status: criteria provided, single submitter. Criteria: Invitae Variant Classification Sherloc (09022015). Collection method: clinical testing. Allele origin: germline.
Comment: This sequence change falls in intron 32 of the COL11A2 gene. It does not directly change the encoded amino acid sequence of the COL11A2 protein. It affects a nucleotide within the consensus splice site. This variant is present in population databases (rs755022711, gnomAD 0.0009%). This variant has not been reported in the literature in individuals affected with COL11A2-related conditions. ClinVar contains an entry for this variant (Variation ID: 2727839). Variants that disrupt the consensus splice site are a relatively common cause of aberrant splicing (PMID: 17576681, 9536098). Algorithms developed to predict the effect of sequence changes on RNA splicing suggest that this variant may disrupt the consensus splice site. In summary, the available evidence is currently insufficient to determine the role of this variant in disease. Therefore, it has been classified as a Variant of Uncertain Significance.

Blueprint Genetics
Classification: Uncertain significance. Last evaluated: 2024-09-01. Review status: criteria provided, single submitter. Criteria: ACMG Guidelines, 2015. Collection method: clinical testing. Allele origin: germline.

Literature cited by the submitters: PubMed 17576681 (cited by Labcorp Genetics (formerly Invitae), Labcorp); PubMed 9536098 (cited by Labcorp Genetics (formerly Invitae), Labcorp).